The following is an entry in ClinVar:

NM_024642.5(GALNT12):c.524A>G (p.Asp175Gly)

Gene: GALNT12 (polypeptide N-acetylgalactosaminyltransferase 12; plus strand). Cytogenetic location: 9q22.33.
Variant type: single nucleotide variant.
Coding change: c.524A>G on transcript NM_024642.5 (MANE Select); coding-DNA position 524, A replaced by G.
Protein change: p.Asp175Gly; replaces aspartic acid 175 with glycine.
Molecular consequence: missense variant.
Genome position (GRCh38, 1-based): chr9:98,823,408, A>G. VCF-style: chr9-98823408-A-G. GRCh37 (hg19) VCF-style: chr9-101585690-A-G.
Other names: short protein forms D175G.
Identifiers: ClinVar variation 3227953 (VCV003227953.1), dbSNP rs2490492830, ClinGen allele CA374216880.

ClinVar aggregate classification (germline): Uncertain significance (1 of 4 stars; one submission).

Submission:

Ambry Genetics
Classification: Uncertain significance. Last evaluated: 2023-11-02. Review status: criteria provided, single submitter. Criteria: Ambry Variant Classification Scheme 2023. Collection method: clinical testing. Allele origin: germline.
Comment: The p.D175G variant (also known as c.524A>G), located in coding exon 2 of the GALNT12 gene, results from an A to G substitution at nucleotide position 524. The aspartic acid at codon 175 is replaced by glycine, an amino acid with similar properties. This amino acid position is conserved. In addition, this alteration is predicted to be deleterious by in silico analysis. Since supporting evidence is limited at this time, the clinical significance of this alteration remains unclear.